The following is an entry in ClinVar:

ClinVar aggregate classification (germline): Uncertain significance (1 of 4 stars; one submission).

Conditions:
CRIPTO-related disorder. Also called: CRIPTO-related condition.

Allele frequency attached by ClinVar (database versions not stated): gnomAD 0.00002.

Submission:

PreventionGenetics, part of Exact Sciences
Classification: Uncertain significance for CRIPTO-related condition. Last evaluated: 2023-04-13. Review status: criteria provided, single submitter. Criteria: ACMG Guidelines, 2015. Collection method: clinical testing. Allele origin: germline.
Comment: The CRIPTO c.115C>A variant is predicted to result in the amino acid substitution p.Pro39Thr. To our knowledge, this variant has not been reported in the literature or in a large population database, indicating this variant is rare. At this time, the clinical significance of this variant is uncertain due to the absence of conclusive functional and genetic evidence.

NM_003212.4(CRIPTO):c.115C>A (p.Pro39Thr)

Gene: CRIPTO (cripto, EGF-CFC family member; plus strand). Cytogenetic location: 3p21.31.
Variant type: single nucleotide variant.
Coding change: c.115C>A on transcript NM_003212.4 (MANE Select); coding-DNA position 115, C replaced by A.
Protein change: p.Pro39Thr; replaces proline 39 with threonine.
Molecular consequence: missense variant.
Genome position (GRCh38, 1-based): chr3:46,579,258, C>A. VCF-style: chr3-46579258-C-A. GRCh37 (hg19) VCF-style: chr3-46620748-C-A.
Other names: c.67C>A, p.Pro23Thr (NM_001174136.2); short protein forms P23T, P39T.
Identifiers: ClinVar variation 2633749 (VCV002633749.1), dbSNP rs1215656011, ClinGen allele CA352473445.